The following is an entry in ClinVar:

ClinVar aggregate classification (germline): Pathogenic (1 of 4 stars; one submission).

Submission:

GeneDx
Classification: Pathogenic. Last evaluated: 2025-05-14. Review status: criteria provided, single submitter. Criteria: GeneDx Variant Classification Process June 2021. Collection method: clinical testing. Allele origin: germline.
Comment: Nonsense variant predicted to result in protein truncation or nonsense mediated decay in a gene for which loss of function is a known mechanism of disease; Not observed at significant frequency in large population cohorts (gnomAD); Has not been previously published as pathogenic or benign to our knowledge

NM_001386298.1(CIC):c.6897C>A (p.Tyr2299Ter)

Gene: CIC (capicua transcriptional repressor; plus strand). Cytogenetic location: 19q13.2.
Variant type: single nucleotide variant.
Coding change: c.6897C>A on transcript NM_001386298.1 (MANE Select); coding-DNA position 6897, C replaced by A.
Protein change: p.Tyr2299Ter; replaces tyrosine 2299 with a stop codon.
Molecular consequence: nonsense.
Genome position (GRCh38, 1-based): chr19:42,294,064, C>A. VCF-style: chr19-42294064-C-A. GRCh37 (hg19) VCF-style: chr19-42798216-C-A.
Other names: c.6897C>A, p.Tyr2299Ter (NM_001304815.2); c.6894C>A, p.Tyr2298Ter (NM_001379480.1, NM_001379482.1); c.4170C>A, p.Tyr1390Ter (NM_001379484.1, NM_015125.5); c.4167C>A, p.Tyr1389Ter (NM_001379485.1); short protein forms Y1389*, Y1390*, Y2298*, Y2299*.
Identifiers: ClinVar variation 3375795 (VCV003375795.2).